The following is an entry in ClinVar:

NM_000051.4(ATM):c.323C>T (p.Ala108Val)

Gene: ATM (ATM serine/threonine kinase; plus strand). Cytogenetic location: 11q22.3.
Variant type: single nucleotide variant.
Coding change: c.323C>T on transcript NM_000051.4 (MANE Select); coding-DNA position 323, C replaced by T.
Protein change: p.Ala108Val; replaces alanine 108 with valine.
Molecular consequence: missense variant.
Genome position (GRCh38, 1-based): chr11:108,229,315, C>T. VCF-style: chr11-108229315-C-T. GRCh37 (hg19) VCF-style: chr11-108100042-C-T.
Other names: c.323C>T, p.Ala108Val (NM_001351834.2, NM_001351835.2, NM_001351836.2); short protein forms A108V.
Identifiers: ClinVar variation 1729276 (VCV001729276.5), dbSNP rs766951228, ClinGen allele CA382521800.

ClinVar aggregate classification (germline): Uncertain significance. Review status: criteria provided, multiple submitters, no conflicts (2 of 4 stars). 2 submissions from 2 submitters: Uncertain significance (2). Last evaluated 2023-06-10.

Conditions:
Ataxia-telangiectasia syndrome (AT). Also called: LOUIS-BAR SYNDROME; Cerebello-oculocutaneous telangiectasia; Immunodeficiency with ataxia telangiectasia; Ataxia-telangiectasia, complementation group D; AT, COMPLEMENTATION GROUP C; ATAXIA-TELANGIECTASIA, COMPLEMENTATION GROUP A. Identifiers: Orphanet 100, MedGen C0004135, MONDO:0008840, OMIM 208900.
Hereditary cancer-predisposing syndrome. Also called: Neoplastic Syndromes, Hereditary; Tumor predisposition; Hereditary Cancer Syndrome; Hereditary neoplastic syndrome. Identifiers: Orphanet 140162, MedGen C0027672, MeSH D009386, MONDO:0015356.

Submissions (2):

Labcorp Genetics (formerly Invitae), Labcorp
Classification: Uncertain significance for Ataxia-telangiectasia syndrome. Last evaluated: 2023-06-10. Review status: criteria provided, single submitter. Criteria: Invitae Variant Classification Sherloc (09022015). Collection method: clinical testing. Allele origin: germline.
Comment: This sequence change replaces alanine, which is neutral and non-polar, with valine, which is neutral and non-polar, at codon 108 of the ATM protein (p.Ala108Val). This variant is not present in population databases (gnomAD no frequency). In summary, the available evidence is currently insufficient to determine the role of this variant in disease. Therefore, it has been classified as a Variant of Uncertain Significance. Advanced modeling of protein sequence and biophysical properties (such as structural, functional, and spatial information, amino acid conservation, physicochemical variation, residue mobility, and thermodynamic stability) performed at Invitae indicates that this missense variant is not expected to disrupt ATM protein function. ClinVar contains an entry for this variant (Variation ID: 1729276). This variant has not been reported in the literature in individuals affected with ATM-related conditions.

Ambry Genetics
Classification: Uncertain significance for Hereditary cancer-predisposing syndrome. Last evaluated: 2020-02-25. Review status: criteria provided, single submitter. Criteria: Ambry Variant Classification Scheme 2023. Collection method: clinical testing. Allele origin: germline.
Comment: The p.A108V variant (also known as c.323C>T), located in coding exon 3 of the ATM gene, results from a C to T substitution at nucleotide position 323. The alanine at codon 108 is replaced by valine, an amino acid with similar properties. This amino acid position is highly conserved in available vertebrate species. In addition, the in silico prediction for this alteration is inconclusive. Since supporting evidence is limited at this time, the clinical significance of this alteration remains unclear.